The following is an entry in ClinVar:

ClinVar aggregate classification (germline): Uncertain significance (0 of 4 stars; one submission).

Conditions:
DCTN1-related disorder. Also called: DCTN1-related condition.

gnomAD v4.1: 4 of 1,612,704 alleles (0.00025%); highest among the groups gnomAD compares: Middle Eastern, 0.017%; no homozygotes.

Submission:

PreventionGenetics, part of Exact Sciences
Classification: Uncertain significance for DCTN1-related condition. Last evaluated: 2024-08-02. Review status: no assertion criteria provided. Collection method: clinical testing. Allele origin: germline.
Comment: The DCTN1 c.3523A>T variant is predicted to result in the amino acid substitution p.Ser1175Cys. To our knowledge, this variant has not been reported in the literature or in a large population database, indicating this variant is rare. At this time, the clinical significance of this variant is uncertain due to the absence of conclusive functional and genetic evidence.

NM_004082.5(DCTN1):c.3523A>T (p.Ser1175Cys)

Gene: DCTN1 (dynactin subunit 1; minus strand). Cytogenetic location: 2p13.1.
Variant type: single nucleotide variant.
Coding change: c.3523A>T on transcript NM_004082.5 (MANE Select); coding-DNA position 3523, A replaced by T.
Protein change: p.Ser1175Cys; replaces serine 1175 with cysteine.
Molecular consequence: missense variant. On other transcripts: non-coding transcript variant (1).
Genome position (GRCh38, 1-based): chr2:74,363,000, T>A on the plus strand (A>T on the coding strand, the complement: DCTN1 is on the minus strand). VCF-style: chr2-74363000-T-A. GRCh37 (hg19) VCF-style: chr2-74590127-T-A.
Other names: c.3448A>T, p.Ser1150Cys (NM_001135040.3); c.3106A>T, p.Ser1036Cys (NM_001135041.3); c.3397A>T, p.Ser1133Cys (NM_001190836.2); c.3502A>T, p.Ser1168Cys (NM_001190837.2); c.3472A>T, p.Ser1158Cys (NM_001378991.1); c.3454A>T, p.Ser1152Cys (NM_001378992.1); c.3121A>T, p.Ser1041Cys (NM_023019.4); short protein forms S1036C, S1041C, S1133C, S1150C, S1152C, S1158C, S1168C, S1175C.
Identifiers: ClinVar variation 3344341 (VCV003344341.1).
Genomic context (GRCh38, chr2:74,363,000, plus strand): 5'-TGGGCCAAGTGGAGGGGGCAGTTTTATTCATCTTGGGGGTTGGCAGGTACATACCAGGGC[T>A]GGTGCGAGTGATGTCTACTACGTGCGTGTGTGTGCTCAATTGATTCAATGTCTCCAGCAG-3'
Protein context (NP_004073.2, residues 1165-1185): HTHVVDITRT[Ser1175Cys]PAAKSPSAQL